The following is an entry in ClinVar:

NM_001368882.1(COL13A1):c.928C>T (p.Arg310Trp)

Gene: COL13A1 (collagen type XIII alpha 1 chain; plus strand). Cytogenetic location: 10q22.1.
Variant type: single nucleotide variant.
Coding change: c.928C>T on transcript NM_001368882.1 (MANE Select); coding-DNA position 928, C replaced by T.
Protein change: p.Arg310Trp; replaces arginine 310 with tryptophan.
Molecular consequence: missense variant.
Genome position (GRCh38, 1-based): chr10:69,917,295, C>T. VCF-style: chr10-69917295-C-T. GRCh37 (hg19) VCF-style: chr10-71677051-C-T.
Other names: c.958C>T, p.Arg320Trp (NM_001130103.2); c.928C>T, p.Arg310Trp (NM_001320951.2, NM_001368884.1); c.892C>T, p.Arg298Trp (NM_001368883.1, NM_001368885.1, NM_080801.4 and 1 more transcripts); c.328C>T, p.Arg110Trp (NM_001368886.1); c.838C>T, p.Arg280Trp (NM_001368895.1); c.787C>T, p.Arg263Trp (NM_001368896.1, NM_001368898.1, NM_080798.4); c.814C>T, p.Arg272Trp (NM_001368897.1); c.901C>T, p.Arg301Trp (NM_080800.4); and 2 more; short protein forms R280W, R269W, R310W, R110W, R272W, R298W, R263W, R301W.
Identifiers: ClinVar variation 1464260 (VCV001464260.6), dbSNP rs985888177, ClinGen allele CA209266242.

ClinVar aggregate classification (germline): Uncertain significance. Review status: criteria provided, multiple submitters, no conflicts (2 of 4 stars). 2 submissions from 2 submitters: Uncertain significance (2). Last evaluated 2025-01-20.

Conditions:
Inborn genetic diseases. Identifiers: MedGen C0950123, MeSH D030342.

Allele frequency attached by ClinVar (database versions not stated): gnomAD exomes below 0.00001 and 0.00002; gnomAD 0.00003 and 0.00004; TOPMed 0.00004.
gnomAD v4.1: 28 of 1,613,504 alleles (0.0017%); highest among the groups gnomAD compares: Non-Finnish European, 0.0022%; no homozygotes.

Submissions (2):

Labcorp Genetics (formerly Invitae), Labcorp
Classification: Uncertain significance. Last evaluated: 2025-01-20. Review status: criteria provided, single submitter. Criteria: Invitae Variant Classification Sherloc (09022015). Collection method: clinical testing. Allele origin: germline.
Comment: This sequence change replaces arginine, which is basic and polar, with tryptophan, which is neutral and slightly polar, at codon 320 of the COL13A1 protein (p.Arg320Trp). The frequency data for this variant in the population databases is considered unreliable, as metrics indicate poor data quality at this position in the gnomAD database. This variant has not been reported in the literature in individuals affected with COL13A1-related conditions. ClinVar contains an entry for this variant (Variation ID: 1464260). An algorithm developed to predict the effect of missense changes on protein structure and function (PolyPhen-2) suggests that this variant is likely to be disruptive. In summary, the available evidence is currently insufficient to determine the role of this variant in disease. Therefore, it has been classified as a Variant of Uncertain Significance.

Ambry Genetics
Classification: Uncertain significance for Inborn genetic diseases. Last evaluated: 2024-07-16. Review status: criteria provided, single submitter. Criteria: Ambry Variant Classification Scheme 2023. Collection method: clinical testing. Allele origin: germline.